The following is an entry in ClinVar:

ClinVar aggregate classification (germline): Uncertain significance. Review status: criteria provided, multiple submitters, no conflicts (2 of 4 stars). 2 submissions from 2 submitters: Uncertain significance (2). Last evaluated 2024-03-01.

Allele frequency attached by ClinVar (database versions not stated): ExAC 0.00001; gnomAD 0.00001; TOPMed 0.00001.

Submissions (2):

Women's Health and Genetics/Laboratory Corporation of America, LabCorp
Classification: Uncertain significance. Last evaluated: 2024-03-01. Review status: criteria provided, single submitter. Criteria: LabCorp Variant Classification Summary - May 2015. Collection method: clinical testing. Allele origin: germline.
Comment: Variant summary: FAM111A c.1385C>G (p.Pro462Arg) results in a non-conservative amino acid change located in the Trypsin-like peptidase domain (PF13365) of the encoded protein sequence. Three of five in-silico tools predict a benign effect of the variant on protein function. The variant allele was found at a frequency of 8e-06 in 251126 control chromosomes (gnomAD). The available data on variant occurrences in the general population are insufficient to allow any conclusion about variant significance. To our knowledge, no occurrence of c.1385C>G in individuals affected with Autosomal Dominant Kenny-Caffey Syndrome and no experimental evidence demonstrating its impact on protein function have been reported. ClinVar contains an entry for this variant (Variation ID: 2183454). Based on the evidence outlined above, the variant was classified as uncertain significance.

Labcorp Genetics (formerly Invitae), Labcorp
Classification: Uncertain significance. Last evaluated: 2022-07-14. Review status: criteria provided, single submitter. Criteria: Invitae Variant Classification Sherloc (09022015). Collection method: clinical testing. Allele origin: germline.
Comment: This sequence change replaces proline, which is neutral and non-polar, with arginine, which is basic and polar, at codon 462 of the FAM111A protein (p.Pro462Arg). This variant is present in population databases (rs746124549, gnomAD 0.006%). This variant has not been reported in the literature in individuals affected with FAM111A-related conditions. Algorithms developed to predict the effect of missense changes on protein structure and function are either unavailable or do not agree on the potential impact of this missense change (SIFT: "Tolerated"; PolyPhen-2: "Possibly Damaging"; Align-GVGD: "Class C0"). In summary, the available evidence is currently insufficient to determine the role of this variant in disease. Therefore, it has been classified as a Variant of Uncertain Significance.

NM_001312909.2(FAM111A):c.1385C>G (p.Pro462Arg)

Gene: FAM111A (FAM111 trypsin like peptidase A; plus strand). Cytogenetic location: 11q12.1.
Variant type: single nucleotide variant.
Coding change: c.1385C>G on transcript NM_001312909.2 (MANE Select); coding-DNA position 1385, C replaced by G.
Protein change: p.Pro462Arg; replaces proline 462 with arginine.
Molecular consequence: missense variant.
Genome position (GRCh38, 1-based): chr11:59,153,053, C>G. VCF-style: chr11-59153053-C-G. GRCh37 (hg19) VCF-style: chr11-58920526-C-G.
Other names: c.1385C>G, p.Pro462Arg (NM_001142519.3, NM_001142520.3, NM_001142521.3 and 29 more transcripts); short protein forms P462R.
Identifiers: ClinVar variation 2183454 (VCV002183454.6), dbSNP rs746124549, ClinGen allele CA6016760.
Genomic context (GRCh38, chr11:59,153,053, plus strand): 5'-TCCTGAAACTGAAGGAAAATGGACAACAAGTACCTATGGAACTATATAATGGAATTACTC[C>G]TGTGCCACTTAGTGGGTTGATACATATTATTGGCCATCCATATGGAGAAAAAAAGCAGAT-3'
Protein context (NP_001299838.1, residues 452-472): VPMELYNGIT[Pro462Arg]VPLSGLIHII